The following is an entry in ClinVar:

ClinVar aggregate classification (germline): Benign/Likely benign. Review status: criteria provided, multiple submitters, no conflicts (2 of 4 stars). 3 submissions from 3 submitters: Benign (1); Likely benign (2). Last evaluated 2026-04-17.

Conditions:
IARS1-related disorder. Also called: IARS1-related condition.

Allele frequency attached by ClinVar (database versions not stated): gnomAD 0.00011 and 0.00030; TOPMed 0.00024; gnomAD exomes 0.00036 and 0.00081; ExAC 0.00093; 1000 Genomes Project 30x 0.00094; 1000 Genomes Project 0.00100.
gnomAD v4.1: 639 of 1,613,350 alleles (0.04%); highest among the groups gnomAD compares: South Asian, 0.52%; 9 homozygotes.

Submissions (3):

PreventionGenetics, part of Exact Sciences
Classification: Likely benign for IARS1-related condition. Last evaluated: 2026-04-17. Review status: criteria provided, single submitter. Criteria: ACMG Guidelines, 2015. Collection method: clinical testing. Allele origin: germline.
Comment: This variant is classified as likely benign based on ACMG/AMP sequence variant interpretation guidelines (Richards et al. 2015 PMID: 25741868, with internal and published modifications).

Labcorp Genetics (formerly Invitae), Labcorp
Classification: Benign. Last evaluated: 2025-09-28. Review status: criteria provided, single submitter. Criteria: Invitae Variant Classification Sherloc (09022015). Collection method: clinical testing. Allele origin: germline.

Ambry Genetics
Classification: Likely benign. Last evaluated: 2023-05-03. Review status: criteria provided, single submitter. Criteria: Ambry Variant Classification Scheme 2023. Collection method: clinical testing. Allele origin: germline.

NM_002161.6(IARS1):c.2389G>A (p.Asp797Asn)

Gene: IARS1 (isoleucyl-tRNA synthetase 1; minus strand). Cytogenetic location: 9q22.31.
Variant type: single nucleotide variant.
Coding change: c.2389G>A on transcript NM_002161.6 (MANE Select); coding-DNA position 2389, G replaced by A.
Protein change: p.Asp797Asn; replaces aspartic acid 797 with asparagine.
Molecular consequence: missense variant. On other transcripts: non-coding transcript variant (1).
Genome position (GRCh38, 1-based): chr9:92,250,753, C>T on the plus strand (G>A on the coding strand, the complement: IARS1 is on the minus strand). VCF-style: chr9-92250753-C-T. GRCh37 (hg19) VCF-style: chr9-95013035-C-T.
Other names: c.2314G>A, p.Asp772Asn (NM_001374299.1, NM_001374300.1); c.2305G>A, p.Asp769Asn (NM_001374301.1); c.2389G>A, p.Asp797Asn (NM_013417.4); c.2389G>A (NM_013417.2); short protein forms D797N, D769N, D772N.
Identifiers: ClinVar variation 782858 (VCV000782858.11), dbSNP rs199830006, ClinGen allele CA5122230.